The following is an entry in ClinVar:

ClinVar aggregate classification (germline): Uncertain significance (0 of 4 stars; one submission).

Conditions:
REST-related disorder. Also called: REST-related condition.

Submission:

PreventionGenetics, part of Exact Sciences
Classification: Uncertain significance for REST-related condition. Last evaluated: 2024-04-09. Review status: no assertion criteria provided. Collection method: clinical testing. Allele origin: germline.
Comment: The REST c.208G>A variant is predicted to result in the amino acid substitution p.Glu70Lys. To our knowledge, this variant has not been reported in the literature or in a large population database, indicating this variant is rare. At this time, the clinical significance of this variant is uncertain due to the absence of conclusive functional and genetic evidence.

NM_005612.5(REST):c.208G>A (p.Glu70Lys)

Gene: REST (RE1 silencing transcription factor; plus strand). Cytogenetic location: 4q12.
Variant type: single nucleotide variant.
Coding change: c.208G>A on transcript NM_005612.5 (MANE Select); coding-DNA position 208, G replaced by A.
Protein change: p.Glu70Lys; replaces glutamic acid 70 with lysine.
Molecular consequence: missense variant.
Genome position (GRCh38, 1-based): chr4:56,910,846, G>A. VCF-style: chr4-56910846-G-A. GRCh37 (hg19) VCF-style: chr4-57777012-G-A.
Other names: c.208G>A, p.Glu70Lys (NM_001193508.2, NM_001363453.3); short protein forms E70K.
Identifiers: ClinVar variation 3345684 (VCV003345684.1).